The following is an entry in ClinVar:

ClinVar aggregate classification (germline): Uncertain significance. Review status: criteria provided, multiple submitters, no conflicts (2 of 4 stars). 2 submissions from 2 submitters: Uncertain significance (2). Last evaluated 2024-11-10.

Allele frequency attached by ClinVar (database versions not stated): ExAC 0.00003; gnomAD 0.00003; TOPMed 0.00006; ESP Exome Variant Server 0.00008; gnomAD exomes 0.00015.
gnomAD v4.1: 224 of 1,614,038 alleles (0.014%); highest among the groups gnomAD compares: Non-Finnish European, 0.019%; no homozygotes.

Submissions (2):

GeneDx
Classification: Uncertain significance. Last evaluated: 2024-11-10. Review status: criteria provided, single submitter. Criteria: GeneDx Variant Classification Process June 2021. Collection method: clinical testing. Allele origin: germline. Affected: yes.
Comment: In silico analysis supports that this missense variant has a deleterious effect on protein structure/function; Has not been previously published as pathogenic or benign to our knowledge

Labcorp Genetics (formerly Invitae), Labcorp
Classification: Uncertain significance. Last evaluated: 2022-07-26. Review status: criteria provided, single submitter. Criteria: Invitae Variant Classification Sherloc (09022015). Collection method: clinical testing. Allele origin: germline.
Comment: This sequence change replaces leucine, which is neutral and non-polar, with proline, which is neutral and non-polar, at codon 211 of the SMG8 protein (p.Leu211Pro). This variant is present in population databases (rs146018691, gnomAD 0.007%). This variant has not been reported in the literature in individuals affected with SMG8-related conditions. Algorithms developed to predict the effect of missense changes on protein structure and function (SIFT, PolyPhen-2, Align-GVGD) all suggest that this variant is likely to be disruptive. In summary, the available evidence is currently insufficient to determine the role of this variant in disease. Therefore, it has been classified as a Variant of Uncertain Significance.

NM_018149.7(SMG8):c.632T>C (p.Leu211Pro)

Gene: SMG8 (SMG8 nonsense mediated mRNA decay factor; plus strand). Cytogenetic location: 17q22.
Variant type: single nucleotide variant.
Coding change: c.632T>C on transcript NM_018149.7 (MANE Select); coding-DNA position 632, T replaced by C.
Protein change: p.Leu211Pro; replaces leucine 211 with proline.
Molecular consequence: missense variant.
Genome position (GRCh38, 1-based): chr17:59,210,683, T>C. VCF-style: chr17-59210683-T-C. GRCh37 (hg19) VCF-style: chr17-57288044-T-C.
Other names: c.632T>C (NM_018149.6); short protein forms L211P.
Identifiers: ClinVar variation 2150597 (VCV002150597.5), dbSNP rs146018691, ClinGen allele CA8679489.